The following is an entry in ClinVar:

NM_130849.4(SLC39A4):c.987C>T (p.Tyr329=)

Gene: SLC39A4 (solute carrier family 39 member 4; minus strand). Cytogenetic location: 8q24.3.
Variant type: single nucleotide variant.
Coding change: c.987C>T on transcript NM_130849.4 (MANE Select); coding-DNA position 987, C replaced by T.
Protein change: p.Tyr329=; no amino-acid change (tyrosine 329 retained).
Molecular consequence: synonymous variant.
Genome position (GRCh38, 1-based): chr8:144,414,424, G>A on the plus strand (C>T on the coding strand, the complement: SLC39A4 is on the minus strand). VCF-style: chr8-144414424-G-A. GRCh37 (hg19) VCF-style: chr8-145639808-G-A.
Other names: c.705C>T, p.Tyr235= (NM_001374839.1); c.912C>T, p.Tyr304= (NM_017767.3).
Identifiers: ClinVar variation 1154383 (VCV001154383.32), dbSNP rs4319139, ClinGen allele CA4941434.

ClinVar aggregate classification (germline): Likely benign. Review status: criteria provided, multiple submitters, no conflicts (2 of 4 stars). 3 submissions from 3 submitters: Likely benign (3). Last evaluated 2024-02-19.

Allele frequency attached by ClinVar (database versions not stated): ExAC 0.00004; gnomAD exomes 0.00004; gnomAD 0.00005; TOPMed 0.00005; 1000 Genomes Project 30x 0.00016; 1000 Genomes Project 0.00020.
gnomAD v4.1: 66 of 1,558,158 alleles (0.0042%); highest among the groups gnomAD compares: Admixed American, 0.0078%; no homozygotes.

Submissions (3):

Labcorp Genetics (formerly Invitae), Labcorp
Classification: Likely benign. Last evaluated: 2024-02-19. Review status: criteria provided, single submitter. Criteria: Invitae Variant Classification Sherloc (09022015). Collection method: clinical testing. Allele origin: germline.

Blueprint Genetics
Classification: Likely benign. Last evaluated: 2023-10-25. Review status: criteria provided, single submitter. Criteria: ACMG Guidelines, 2015. Collection method: clinical testing. Allele origin: germline.

CeGaT Center for Human Genetics Tuebingen
Classification: Likely benign. Last evaluated: 2022-05-01. Review status: criteria provided, single submitter. Criteria: CeGaT Center For Human Genetics Tuebingen Variant Classification Criteria Version 2. Collection method: clinical testing. Allele origin: germline. Affected: yes. Observed: 1 variant allele.
Comment: SLC39A4: BP4, BP7